The following is an entry in ClinVar:

ClinVar aggregate classification (germline): Likely pathogenic (1 of 4 stars; one submission).

Submissions (2):

GeneDx
Classification: Likely pathogenic. Last evaluated: 2024-01-21. Review status: criteria provided, single submitter. Criteria: GeneDx Variant Classification Process June 2021. Collection method: clinical testing. Allele origin: germline. Affected: yes.
Comment: Canonical splice site variant predicted to result in an in-frame loss of the adjacent exon in a gene for which loss of function is a known mechanism of disease; Not observed at significant frequency in large population cohorts (gnomAD); A different nucleotide change at this same canonical splice site (c.864+1G>T) has been reported in the published literature in association with Opitz GBBB syndrome (PMID: 17221865); Has not been previously published as pathogenic or benign to our knowledge; This variant is associated with the following publications: (PMID: 17221865)

Dr. Peter K. Rogan Lab, Western University
No classification provided (evidence only). Condition: Ovarian serous cystadenocarcinoma. Review status: no classification provided. Collection method: in vitro. Allele origin: not applicable. Functional consequence: skipped exon. Not counted in ClinVar's aggregate classification.

NM_000381.4(MID1):c.864+1G>A

Gene: MID1 (midline 1; minus strand). Cytogenetic location: Xp22.2.
Variant type: single nucleotide variant.
Coding change: c.864+1G>A on transcript NM_000381.4 (MANE Select); the canonical splice donor site of the intron after coding-DNA position 864, G replaced by A.
Molecular consequence: splice donor variant.
Genome position (GRCh38, 1-based): chrX:10,495,583, C>T on the plus strand (G>A on the coding strand, the complement: MID1 is on the minus strand). VCF-style: chrX-10495583-C-T. GRCh37 (hg19) VCF-style: chrX-10463623-C-T.
Other names: NC_000023.10:g.10463623C>T; c.864+1G>A (NM_033290.4, NM_001098624.2, NM_001347733.2 and 2 more transcripts); c.750+1G>A (NM_033289.2, NM_001193280.1); c.1017+1G>A (NM_001193278.1).
Identifiers: ClinVar variation 3342470 (VCV003342470.2).
Genomic context (GRCh38, chrX:10,495,583, plus strand): 5'-TGTATTAGGATTTATTTTCTCCAGGTAGAGAATATGAAATCTTCTGCCCTAGAAATCATA[C>T]CTTCCCTTCTTTGATCTTGGTTCCAATAATCTGTCGTCTTTGCTGAATGATCTCAATGAG-3'